The following is an entry in ClinVar:

NM_007294.4(BRCA1):c.5153-26A>T

Gene: BRCA1 (BRCA1 DNA repair associated; minus strand). Cytogenetic location: 17q21.31.
Variant type: single nucleotide variant.
Coding change: c.5153-26A>T on transcript NM_007294.4 (MANE Select); 26 bases into the intron before coding-DNA position 5153, A replaced by T.
Molecular consequence: intron variant.
Genome position (GRCh38, 1-based): chr17:43,063,399, T>A on the plus strand (A>T on the coding strand, the complement: BRCA1 is on the minus strand). VCF-style: chr17-43063399-T-A. GRCh37 (hg19) VCF-style: chr17-41215416-T-A.
Other names: c.5027-26A>T (NM_001407673.1, NM_001407674.1, NM_001407939.1 and 10 more transcripts); c.1838-26A>T (NM_001408400.1, NM_001408392.1, NM_001408397.1 and 8 more transcripts); c.1841-26A>T (NM_001407986.1, NM_001407979.1, NM_001407982.1 and 12 more transcripts); c.1907-26A>T (NM_001407972.1); c.5147-26A>T (NM_001407630.1, NM_001407633.1, NM_001407642.1 and 14 more transcripts); c.5150-26A>T (NM_001407615.1, NM_001407625.1, NM_001407619.1 and 17 more transcripts); c.5213-26A>T (NM_001407591.1, NM_001407590.1); c.1718-26A>T (NM_001408441.1, NM_001408437.1, NM_001408442.1 and 10 more transcripts); and 72 more.
Identifiers: ClinVar variation 867720 (VCV000867720.3), dbSNP rs80358109, ClinGen allele CA916080103.

Conditions:
Breast-ovarian cancer, familial, susceptibility to, 1 (BROVCA1). Also called: BRCA1 Hereditary Breast and Ovarian Cancer; OVARIAN CANCER, SUSCEPTIBILITY TO. Identifiers: Orphanet 145, MedGen C2676676, MONDO:0011450, OMIM 604370. Disease mechanism: loss of function.

Submission:

Brotman Baty Institute, University of Washington
No classification provided (evidence only). Condition: Breast-ovarian cancer, familial 1. Review status: no classification provided. Collection method: in vitro. Allele origin: not applicable. Functional consequence: functionally_normal.
ClinVar note: "not provided" was previously submitted as the classification for the variant. However, the classification appeared to be based only on an observation of functional data so it was converted to no classification on 2025-07-30.